The following is an entry in ClinVar:

ClinVar aggregate classification (germline): Likely pathogenic (1 of 4 stars; one submission).

Conditions:
Metachondromatosis (METCDS). Identifiers: Orphanet 2499, MedGen C0410530, MONDO:0007979, OMIM 156250.

Submission:

Clinical Biomedical Laboratory, Shriners Hospital For Children - Canada
Classification: Likely pathogenic for Metachondromatosis. Last evaluated: 2025-10-05. Review status: criteria provided, single submitter. Criteria: ACMG Guidelines, 2015. Collection method: clinical testing. Allele origin: germline. Affected: yes.
Comment: This variant is predicted to introduce a premature termination codon leading to nonsense-mediated decay of the affected transcript. This variant is absent from the Genome Aggregation Database (v2.1.1). Heterozygyous premature termination codons in PTPN11 are associated with metachondromatosis (PMID: 21533187), which corresponds to the phenotype of the proband.

Literature cited by the submitters: PubMed 21533187.

NM_002834.5(PTPN11):c.1168G>T (p.Glu390Ter)

Gene: PTPN11 (protein tyrosine phosphatase non-receptor type 11; plus strand). Cytogenetic location: 12q24.13.
Variant type: single nucleotide variant.
Coding change: c.1168G>T on transcript NM_002834.5 (MANE Select); coding-DNA position 1168, G replaced by T.
Protein change: p.Glu390Ter; replaces glutamic acid 390 with a stop codon.
Molecular consequence: nonsense.
Genome position (GRCh38, 1-based): chr12:112,482,149, G>T. VCF-style: chr12-112482149-G-T. GRCh37 (hg19) VCF-style: chr12-112919953-G-T.
Other names: c.1168G>T, p.Glu390Ter (NM_001330437.2, NM_080601.3); c.1165G>T, p.Glu389Ter (NM_001374625.1); short protein forms E389*, E390*.
Identifiers: ClinVar variation 4280642 (VCV004280642.1).